The following is an entry in ClinVar:

NM_001111125.3(IQSEC2):c.311del (p.Glu104fs)

Gene: IQSEC2 (IQ motif and Sec7 domain ArfGEF 2; minus strand). Cytogenetic location: Xp11.22.
Variant type: Deletion.
Coding change: c.311del on transcript NM_001111125.3 (MANE Select); coding-DNA position 311, one base deleted (A; older notation c.311delA).
Protein change: p.Glu104fs; shifts the reading frame from glutamic acid 104.
Molecular consequence: frameshift variant.
Genome position (GRCh38, 1-based): chrX:53,320,813, T deleted on the plus strand (A on the coding strand, the reverse complement: IQSEC2 is on the minus strand). VCF-style (leftmost placement, unchanged base first): chrX-53320812-CT-C. GRCh37 (hg19) VCF-style: chrX-53350010-CT-C.
Other names: c.311del, p.Glu104fs (NM_001410736.1, NM_001441092.1); short protein forms E104fs.
Identifiers: ClinVar variation 5020018 (VCV005020018.1).
Genomic context (GRCh38, chrX:53,320,812, plus strand): 5'-CTGGTAGGCGCCTTCCCGGTTCGGGTAGCCCACGTCCCGGGCCGCCTGGTGGAACTGGCT[CT>C]CCCGCAGCTCGCGGTGGTGGAACTGGGTCTCGCGCAGGTTCTGGTACTGGCTCTCGCGGC-3'

ClinVar aggregate classification (germline): Likely pathogenic (1 of 4 stars; one submission).

Conditions:
Intellectual developmental disorder, X-linked 1. Also called: Atkin Flaitz Patil Smith syndrome; MENTAL RETARDATION, X-LINKED 18; MENTAL RETARDATION, X-LINKED 78; Intellectual disability, X-linked 1. Identifiers: Orphanet 777, MedGen C2931498, MONDO:0010656, OMIM 309530.

Submission:

Juno Genomics, Hangzhou Juno Genomics, Inc
Classification: Likely pathogenic for Intellectual developmental disorder, X-linked 1. Review status: criteria provided, single submitter. Criteria: ACMG Guidelines, 2015. Collection method: clinical testing. Allele origin: germline. Affected: yes.
Comment: Absent from controls (or at extremely low frequency if recessive) in Genome Aggregation Database.;Null variant in a gene where loss of function (LOF) is a known mechanism of disease.